The following is an entry in ClinVar:

NC_000017.10:g.(?_29652818)_(29670173_?)del

Gene: NF1 (neurofibromin 1; plus strand). Cytogenetic location: 17q11.2.
Variant type: Deletion.
Identifiers: ClinVar variation 1072222 (VCV001072222.3).

ClinVar aggregate classification (germline): Pathogenic (1 of 4 stars; one submission).

Conditions:
Neurofibromatosis, type 1 (NF1). Also called: VON RECKLINGHAUSEN DISEASE; Peripheral type neurofibromatosis; NEUROFIBROMATOSIS, TYPE I, SOMATIC; Neurofibromatosis, type I. Identifiers: Orphanet 636, MedGen C0027831, MONDO:0018975, OMIM 162200. Disease mechanism: loss of function.

Submission:

Labcorp Genetics (formerly Invitae), Labcorp
Classification: Pathogenic for Neurofibromatosis, type 1. Last evaluated: 2020-09-08. Review status: criteria provided, single submitter. Criteria: Invitae Variant Classification Sherloc (09022015). Collection method: clinical testing. Allele origin: germline.
Comment: For these reasons, this variant has been classified as Pathogenic. Loss-of-function variants in NF1 are known to be pathogenic (PMID: 10712197, 23913538). This variant has not been reported in the literature in individuals with NF1-related conditions. This variant is an out-of-frame deletion of the genomic region encompassing exons 36-47 of the NF1 gene. This is expected to create a premature translational stop signal and result in an absent or disrupted protein product.

Literature cited by the submitters: PubMed 10712197; PubMed 23913538.